The following is an entry in ClinVar:

NM_006978.3(RNF113A):c.373G>C (p.Glu125Gln)

Gene: RNF113A (ring finger protein 113A; minus strand). Cytogenetic location: Xq24.
Variant type: single nucleotide variant.
Coding change: c.373G>C on transcript NM_006978.3 (MANE Select); coding-DNA position 373, G replaced by C.
Protein change: p.Glu125Gln; replaces glutamic acid 125 with glutamine.
Molecular consequence: missense variant.
Genome position (GRCh38, 1-based): chrX:119,871,241, C>G on the plus strand (G>C on the coding strand, the complement: RNF113A is on the minus strand). VCF-style: chrX-119871241-C-G. GRCh37 (hg19) VCF-style: chrX-119005204-C-G.
Other names: short protein forms E125Q.
Identifiers: ClinVar variation 1613139 (VCV001613139.9), dbSNP rs199822951, ClinGen allele CA10503469.

ClinVar aggregate classification (germline): Conflicting classifications of pathogenicity. Review status: criteria provided, conflicting classifications (1 of 4 stars). 2 submissions from 2 submitters: Uncertain significance (1); Likely benign (1). Last evaluated 2025-06-27.

Allele frequency attached by ClinVar (database versions not stated): gnomAD 0.00001 and 0.00002; gnomAD exomes 0.00001 and 0.00006; TOPMed 0.00003; ExAC 0.00009; 1000 Genomes Project 30x 0.00021; 1000 Genomes Project 0.00026.

Submissions (2):

Women's Health and Genetics/Laboratory Corporation of America, LabCorp
Classification: Uncertain significance. Last evaluated: 2025-06-27. Review status: criteria provided, single submitter. Criteria: LabCorp Variant Classification Summary - May 2015. Collection method: clinical testing. Allele origin: germline.
Comment: Variant summary: RNF113A c.373G>C (p.Glu125Gln) results in a conservative amino acid change in the encoded protein sequence. Algorithms developed to predict the effect of missense changes on protein structure and function are either unavailable or do not agree on the potential impact of this missense change. The variant allele was found at a frequency of 6e-05 in 182796 control chromosomes in the gnomAD database (v2.1 dataset), including 3 hemizygotes. This frequency is not higher than the maximum estimated for a pathogenic variant in RNF113A causing Trichothiodystrophy 5, Nonphotosensitive, allowing no conclusion about variant significance. To our knowledge, no occurrence of c.373G>C in individuals affected with Trichothiodystrophy 5, Nonphotosensitive and no experimental evidence demonstrating its impact on protein function have been reported. ClinVar contains an entry for this variant (Variation ID: 1613139). Based on the evidence outlined above, the variant was classified as uncertain significance.

Labcorp Genetics (formerly Invitae), Labcorp
Classification: Likely benign. Last evaluated: 2025-05-27. Review status: criteria provided, single submitter. Criteria: Invitae Variant Classification Sherloc (09022015). Collection method: clinical testing. Allele origin: germline.